The following is an entry in ClinVar:

ClinVar aggregate classification (germline): Uncertain significance (1 of 4 stars; one submission).

Conditions:
Amyotrophic lateral sclerosis type 6. Also called: FUS-Related Amyotrophic Laterial Sclerosis; Amyotrophic lateral sclerosis 6, with or without frontotemporal dementia; AMYOTROPHIC LATERAL SCLEROSIS 6 WITHOUT FRONTOTEMPORAL DEMENTIA. Identifiers: Orphanet 275872, Orphanet 803, MedGen C2931786, MONDO:0011951, OMIM 608030.
Tremor, hereditary essential, 4 (ETM4). Identifiers: MedGen C3539195, MONDO:0013888, OMIM 614782.

Submission:

Labcorp Genetics (formerly Invitae), Labcorp
Classification: Uncertain significance for Tremor, hereditary essential, 4; Amyotrophic lateral sclerosis type 6. Last evaluated: 2022-01-05. Review status: criteria provided, single submitter. Criteria: Invitae Variant Classification Sherloc (09022015). Collection method: clinical testing. Allele origin: germline.
Comment: This variant has not been reported in the literature in individuals affected with FUS-related conditions. In summary, the available evidence is currently insufficient to determine the role of this variant in disease. Therefore, it has been classified as a Variant of Uncertain Significance. Algorithms developed to predict the effect of sequence changes on RNA splicing suggest that this variant may create or strengthen a splice site. Algorithms developed to predict the effect of missense changes on protein structure and function are either unavailable or do not agree on the potential impact of this missense change (SIFT: "Deleterious"; PolyPhen-2: "Not Available"; Align-GVGD: "Class C0"). This variant is not present in population databases (gnomAD no frequency). This sequence change replaces methionine, which is neutral and non-polar, with valine, which is neutral and non-polar, at codon 184 of the FUS protein (p.Met184Val).

NM_004960.4(FUS):c.550A>G (p.Met184Val)

Gene: FUS (FUS RNA binding protein; plus strand). Cytogenetic location: 16p11.2.
Variant type: single nucleotide variant.
Coding change: c.550A>G on transcript NM_004960.4 (MANE Select); coding-DNA position 550, A replaced by G.
Protein change: p.Met184Val; replaces methionine 184 with valine.
Molecular consequence: missense variant. On other transcripts: non-coding transcript variant (1).
Genome position (GRCh38, 1-based): chr16:31,184,965, A>G. VCF-style: chr16-31184965-A-G. GRCh37 (hg19) VCF-style: chr16-31196286-A-G.
Other names: c.547A>G, p.Met183Val (NM_001170634.1); c.538A>G, p.Met180Val (NM_001170937.1); short protein forms M180V, M184V, M183V.
Identifiers: ClinVar variation 2075142 (VCV002075142.4), dbSNP rs762914131, ClinGen allele CA395669600.
Genomic context (GRCh38, chr16:31,184,965, plus strand): 5'-TTTTTTTTTTTAATCATTCTTTCTTTTCTCACAGGTAACTATGGCCAAGATCAATCCTCC[A>G]TGAGTAGTGGTGGTGGCAGTGGTGGCGGTTATGGCAATCAAGACCAGAGTGGTGGAGGTG-3'
Protein context (NP_004951.1, residues 174-194): GGNYGQDQSS[Met184Val]SSGGGSGGGY